The following is an entry in ClinVar:

NM_002485.5(NBN):c.1607C>T (p.Ala536Val)

Gene: NBN (nibrin; minus strand). Cytogenetic location: 8q21.3.
Variant type: single nucleotide variant.
Coding change: c.1607C>T on transcript NM_002485.5 (MANE Select); coding-DNA position 1607, C replaced by T.
Protein change: p.Ala536Val; replaces alanine 536 with valine.
Molecular consequence: missense variant.
Genome position (GRCh38, 1-based): chr8:89,953,482, G>A on the plus strand (C>T on the coding strand, the complement: NBN is on the minus strand). VCF-style: chr8-89953482-G-A. GRCh37 (hg19) VCF-style: chr8-90965710-G-A.
Other names: c.1361C>T, p.Ala454Val (NM_001024688.3); short protein forms A454V, A536V.
Identifiers: ClinVar variation 1776314 (VCV001776314.2), dbSNP rs2129700224, ClinGen allele CA371655491.

ClinVar aggregate classification (germline): Uncertain significance (1 of 4 stars; one submission).

Conditions:
Hereditary cancer-predisposing syndrome. Also called: Neoplastic Syndromes, Hereditary; Tumor predisposition; Hereditary Cancer Syndrome; Hereditary neoplastic syndrome. Identifiers: Orphanet 140162, MedGen C0027672, MeSH D009386, MONDO:0015356.

Submission:

Ambry Genetics
Classification: Uncertain significance for Hereditary cancer-predisposing syndrome. Last evaluated: 2022-02-16. Review status: criteria provided, single submitter. Criteria: Ambry Variant Classification Scheme 2023. Collection method: clinical testing. Allele origin: germline.
Comment: The p.A536V variant (also known as c.1607C>T), located in coding exon 11 of the NBN gene, results from a C to T substitution at nucleotide position 1607. The alanine at codon 536 is replaced by valine, an amino acid with similar properties. This amino acid position is not well conserved in available vertebrate species. In addition, this alteration is predicted to be tolerated by in silico analysis. Since supporting evidence is limited at this time, the clinical significance of this alteration remains unclear.